The following is an entry in ClinVar:

NM_139125.4(MASP1):c.1090+2877G>A

Gene: MASP1 (MBL associated serine protease 1; minus strand). Cytogenetic location: 3q27.3.
Variant type: single nucleotide variant.
Coding change: c.1090+2877G>A on transcript NM_139125.4 (MANE Select); 2877 bases into the intron after coding-DNA position 1090, G replaced by A.
Molecular consequence: intron variant. On other transcripts: missense variant (1).
Genome position (GRCh38, 1-based): chr3:187,247,374, C>T on the plus strand (G>A on the coding strand, the complement: MASP1 is on the minus strand). VCF-style: chr3-187247374-C-T. GRCh37 (hg19) VCF-style: chr3-186965162-C-T.
Other names: c.1102G>A, p.Asp368Asn (NM_001031849.3); c.1090+2877G>A (NM_001879.6); short protein forms D368N.
Identifiers: ClinVar variation 828007 (VCV000828007.40), dbSNP rs113938200, ClinGen allele CA2749384.

ClinVar aggregate classification (germline): Conflicting classifications of pathogenicity. Review status: criteria provided, conflicting classifications (1 of 4 stars). 4 submissions from 4 submitters: Uncertain significance (1); Benign (3). Last evaluated 2026-09-01.

Conditions:
3MC syndrome 1. Also called: MICHELS SYNDROME; OCULOPALATOSKELETAL SYNDROME; CRANIOSYNOSTOSIS WITH LID ANOMALIES. Identifiers: Orphanet 293843, MedGen C0796059, MONDO:0009770, OMIM 257920.
Monogenic hearing loss.

Allele frequency attached by ClinVar (database versions not stated): 1000 Genomes Project 0.00319; 1000 Genomes Project 30x 0.00344; gnomAD exomes 0.00510 and 0.01068; ExAC 0.00521; gnomAD 0.00633 and 0.00638; TOPMed 0.00640; ESP Exome Variant Server 0.00723.
gnomAD v4.1: 16,518 of 1,613,832 alleles (1%); highest among the groups gnomAD compares: Non-Finnish European, 1.3%; 116 homozygotes.

Submissions (4):

CeGaT Center for Human Genetics Tuebingen
Classification: Benign. Last evaluated: 2026-09-01. Review status: criteria provided, single submitter. Criteria: CeGaT Center For Human Genetics Tuebingen Variant Classification Criteria Version 2. Collection method: clinical testing. Allele origin: germline. Affected: yes. Observed: 26 variant alleles.
Comment: MASP1: BS1, BS2

Genetics Laboratory, Great Ormond Street Hospital NHS Foundation Trust, North Thames Genomic Laboratory Hub
Classification: Benign for Monogenic hearing loss. Last evaluated: 2024-09-23. Review status: criteria provided, single submitter. Criteria: ACGS Best Practice Guidelines for Variant Classification in Rare Disease 2024 v1.2. Collection method: clinical testing. Allele origin: germline. Affected: yes.
Comment: BS1_strong, BS2_strong, BP4_supporting

ARUP Laboratories, Molecular Genetics and Genomics, ARUP Laboratories
Classification: Benign for 3MC syndrome 1. Last evaluated: 2022-10-21. Review status: criteria provided, single submitter. Criteria: ARUP Molecular Germline Variant Investigation Process 2021. Collection method: clinical testing. Allele origin: germline.

Center for Genomics, Ann and Robert H. Lurie Children's Hospital of Chicago
Classification: Uncertain significance for 3MC syndrome 1. Last evaluated: 2021-03-30. Review status: criteria provided, single submitter. Criteria: ACMG Guidelines, 2015. Collection method: clinical testing. Allele origin: germline.
Comment: MASP1 NM_001031849.2 exon9 p.Asp368Asn (c.1102G>A): This variant has not been reported in the literature but is present in 0.8% (1086/126804) of European alleles including 6 homozygotes in the Genome Aggregation Database. Evolutionary conservation for this variant is unavailable; computational predictive tools suggest that this variant may not impact the protein. In summary, data on this variant is insufficient for disease classification. Therefore, the clinical significance of this variant is uncertain.